The following is an entry in ClinVar:

ClinVar aggregate classification (germline): Uncertain significance. Review status: criteria provided, multiple submitters, no conflicts (2 of 4 stars). 3 submissions from 3 submitters: Uncertain significance (3). Last evaluated 2024-06-04.

Conditions:
Potassium-aggravated myotonia. Also called: Myotonia congenita, atypical, acetazolamide-responsive; MYOTONIA CONGENITA, ACETAZOLAMIDE-RESPONSIVE; MYOTONIA CONGENITA, ATYPICAL; SODIUM CHANNEL MUSCLE DISEASE. Identifiers: Orphanet 612, Orphanet 99734, Orphanet 99735, Orphanet 99736, MedGen C2931826, MONDO:0018959, OMIM 608390.
Congenital myasthenic syndrome 16. Identifiers: Orphanet 590, MedGen C3280112, MONDO:0013620, OMIM 614198.
Paramyotonia congenita of Von Eulenburg. Also called: Paramyotonia Congenita; PARALYSIS PERIODICA PARAMYOTONICA; Eulenburg disease; Myotonia congenita intermittens; Von Eulenburg paramyotonia congenita. Identifiers: Orphanet 684, MedGen C0221055, MONDO:0008195, OMIM 168300. Disease mechanism: loss of function.
Hypokalemic periodic paralysis, type 2 (HOKPP2). Identifiers: Orphanet 681, MedGen C2750061, MONDO:0013234, OMIM 613345.
Congenital myopathy 22A, classic (CMYO22A). Identifiers: MedGen C5830453, MONDO:0957247, OMIM 620351.
Congenital myopathy 22B, severe fetal (CMYO22B). Identifiers: MedGen C5830501, MONDO:0957265, OMIM 620369.
Hyperkalemic periodic paralysis. Also called: Familial hyperkalemic periodic paralysis; Gamstorp disease. Identifiers: Orphanet 682, MedGen C0238357, MONDO:0008224, OMIM 170500, HP:0007215.

Allele frequency attached by ClinVar (database versions not stated): ExAC 0.00002; gnomAD 0.00002; gnomAD exomes 0.00001; TOPMed 0.00001.
gnomAD v4.1: 12 of 1,614,020 alleles (0.00074%); highest among the groups gnomAD compares: African/African-American, 0.004%; no homozygotes.

Submissions (3):

Fulgent Genetics
Classification: Uncertain significance for Paramyotonia congenita of Von Eulenburg; Hyperkalemic periodic paralysis; Potassium-aggravated myotonia; Hypokalemic periodic paralysis, type 2; Congenital myasthenic syndrome 16; Congenital myopathy 22A, classic; Congenital myopathy 22B, severe fetal. Last evaluated: 2024-06-04. Review status: criteria provided, single submitter. Criteria: ACMG Guidelines, 2015. Collection method: clinical testing. Allele origin: germline.

Labcorp Genetics (formerly Invitae), Labcorp
Classification: Uncertain significance for Hyperkalemic periodic paralysis. Last evaluated: 2023-08-04. Review status: criteria provided, single submitter. Criteria: Invitae Variant Classification Sherloc (09022015). Collection method: clinical testing. Allele origin: germline.
Comment: This sequence change replaces isoleucine, which is neutral and non-polar, with threonine, which is neutral and polar, at codon 733 of the SCN4A protein (p.Ile733Thr). In summary, the available evidence is currently insufficient to determine the role of this variant in disease. Therefore, it has been classified as a Variant of Uncertain Significance. Advanced modeling of protein sequence and biophysical properties (such as structural, functional, and spatial information, amino acid conservation, physicochemical variation, residue mobility, and thermodynamic stability) has been performed at Invitae for this missense variant, however the output from this modeling did not meet the statistical confidence thresholds required to predict the impact of this variant on SCN4A protein function. ClinVar contains an entry for this variant (Variation ID: 957814). This variant has not been reported in the literature in individuals affected with SCN4A-related conditions. This variant is present in population databases (rs753865616, gnomAD 0.01%).

GeneDx
Classification: Uncertain significance. Last evaluated: 2022-01-29. Review status: criteria provided, single submitter. Criteria: GeneDx Variant Classification Process June 2021. Collection method: clinical testing. Allele origin: germline. Affected: yes.
Comment: Not observed at significant frequency in large population cohorts (gnomAD); In silico analysis supports that this missense variant has a deleterious effect on protein structure/function; Has not been previously published as pathogenic or benign to our knowledge

NM_000334.4(SCN4A):c.2198T>C (p.Ile733Thr)

Genes: GH-LCR (growth hormone locus control region; plus strand), SCN4A (sodium voltage-gated channel alpha subunit 4; minus strand). Cytogenetic location: 17q23.3.
Variant type: single nucleotide variant.
Coding change: c.2198T>C on transcript NM_000334.4 (MANE Select); coding-DNA position 2198, T replaced by C.
Protein change: p.Ile733Thr; replaces isoleucine 733 with threonine.
Molecular consequence: missense variant.
Genome position (GRCh38, 1-based): chr17:63,957,340, A>G on the plus strand (T>C on the coding strand, the complement: SCN4A is on the minus strand). VCF-style: chr17-63957340-A-G. GRCh37 (hg19) VCF-style: chr17-62034700-A-G.
Other names: short protein forms I733T.
Identifiers: ClinVar variation 957814 (VCV000957814.12), dbSNP rs753865616, ClinGen allele CA8709639.